The following is an entry in ClinVar:

ClinVar aggregate classification (germline): Uncertain significance (1 of 4 stars; one submission).

gnomAD v4.1: 52 of 1,613,044 alleles (0.0032%); highest among the groups gnomAD compares: African/African-American, 0.068%; no homozygotes.

Submission:

GeneDx
Classification: Uncertain significance. Last evaluated: 2025-12-16. Review status: criteria provided, single submitter. Criteria: GeneDx Variant Classification Process June 2021. Collection method: clinical testing. Allele origin: germline.
Comment: Reported using an alternate transcript of the gene; Has not been previously published as pathogenic or benign to our knowledge; In silico analysis supports that this missense variant has a deleterious effect on protein structure/function

NM_001032283.3(TMPO):c.1024A>T (p.Arg342Trp)

Gene: TMPO (thymopoietin; plus strand). Cytogenetic location: 12q23.1.
Variant type: single nucleotide variant.
Coding change: c.1024A>T on transcript NM_001032283.3 (MANE Select); coding-DNA position 1024, A replaced by T.
Protein change: p.Arg342Trp; replaces arginine 342 with tryptophan.
Molecular consequence: missense variant.
Genome position (GRCh38, 1-based): chr12:98,546,392, A>T. VCF-style: chr12-98546392-A-T. GRCh37 (hg19) VCF-style: chr12-98940170-A-T.
Other names: c.697A>T, p.Arg233Trp (NM_001032284.3); c.904A>T, p.Arg302Trp (NM_001307975.2); short protein forms R233W, R302W, R342W.
Identifiers: ClinVar variation 3384365 (VCV003384365.2).